The following is an entry in ClinVar:

ClinVar aggregate classification (germline): Uncertain significance. Review status: criteria provided, multiple submitters, no conflicts (2 of 4 stars). 2 submissions from 2 submitters: Uncertain significance (2). Last evaluated 2025-08-04.

Conditions:
Inborn genetic diseases. Identifiers: MedGen C0950123, MeSH D030342.

Allele frequency attached by ClinVar (database versions not stated): gnomAD 0.00001; TOPMed 0.00001.

Submissions (2):

Ambry Genetics
Classification: Uncertain significance for Inborn genetic diseases. Last evaluated: 2025-08-04. Review status: criteria provided, single submitter. Criteria: Ambry Variant Classification Scheme 2023. Collection method: clinical testing. Allele origin: germline.

Labcorp Genetics (formerly Invitae), Labcorp
Classification: Uncertain significance. Last evaluated: 2024-10-29. Review status: criteria provided, single submitter. Criteria: Invitae Variant Classification Sherloc (09022015). Collection method: clinical testing. Allele origin: germline.
Comment: This sequence change replaces leucine, which is neutral and non-polar, with isoleucine, which is neutral and non-polar, at codon 624 of the PDE6C protein (p.Leu624Ile). This variant is not present in population databases (gnomAD no frequency). This variant has not been reported in the literature in individuals affected with PDE6C-related conditions. ClinVar contains an entry for this variant (Variation ID: 1027204). Invitae Evidence Modeling of protein sequence and biophysical properties (such as structural, functional, and spatial information, amino acid conservation, physicochemical variation, residue mobility, and thermodynamic stability) has been performed for this missense variant. However, the output from this modeling did not meet the statistical confidence thresholds required to predict the impact of this variant on PDE6C protein function. In summary, the available evidence is currently insufficient to determine the role of this variant in disease. Therefore, it has been classified as a Variant of Uncertain Significance.

NM_006204.4(PDE6C):c.1870C>A (p.Leu624Ile)

Gene: PDE6C (phosphodiesterase 6C; plus strand). Cytogenetic location: 10q23.33.
Variant type: single nucleotide variant.
Coding change: c.1870C>A on transcript NM_006204.4 (MANE Select); coding-DNA position 1870, C replaced by A.
Protein change: p.Leu624Ile; replaces leucine 624 with isoleucine.
Molecular consequence: missense variant.
Genome position (GRCh38, 1-based): chr10:93,645,982, C>A. VCF-style: chr10-93645982-C-A. GRCh37 (hg19) VCF-style: chr10-95405739-C-A.
Other names: c.1870C>A (NM_006204.3); short protein forms L624I.
Identifiers: ClinVar variation 1027204 (VCV001027204.11), dbSNP rs1409100058, ClinGen allele CA377620863.